The following is an entry in ClinVar:

ClinVar aggregate classification (germline): Likely pathogenic (1 of 4 stars; one submission).

Allele frequency attached by ClinVar (database versions not stated): TOPMed below 0.00001.

Submission:

Labcorp Genetics (formerly Invitae), Labcorp
Classification: Likely pathogenic. Last evaluated: 2022-07-31. Review status: criteria provided, single submitter. Criteria: Invitae Variant Classification Sherloc (09022015). Collection method: clinical testing. Allele origin: germline.
Comment: In summary, the currently available evidence indicates that the variant is pathogenic, but additional data are needed to prove that conclusively. Therefore, this variant has been classified as Likely Pathogenic. Algorithms developed to predict the effect of sequence changes on RNA splicing suggest that this variant may disrupt the consensus splice site. This variant has not been reported in the literature in individuals affected with LRPPRC-related conditions. This variant is not present in population databases (gnomAD no frequency). This sequence change affects a donor splice site in intron 17 of the LRPPRC gene. It is expected to disrupt RNA splicing. Variants that disrupt the donor or acceptor splice site typically lead to a loss of protein function (PMID: 16199547), and loss-of-function variants in LRPPRC are known to be pathogenic (PMID: 26510951).

Literature cited by the submitters: PubMed 16199547; PubMed 26510951.

NM_133259.4(LRPPRC):c.1842+1G>T

Gene: LRPPRC (leucine rich pentatricopeptide repeat containing; minus strand). Cytogenetic location: 2p21.
Variant type: single nucleotide variant.
Coding change: c.1842+1G>T on transcript NM_133259.4 (MANE Select); the canonical splice donor site of the intron after coding-DNA position 1842, G replaced by T.
Molecular consequence: splice donor variant.
Genome position (GRCh38, 1-based): chr2:43,948,411, C>A on the plus strand (G>T on the coding strand, the complement: LRPPRC is on the minus strand). VCF-style: chr2-43948411-C-A. GRCh37 (hg19) VCF-style: chr2-44175550-C-A.
Identifiers: ClinVar variation 2020892 (VCV002020892.4), dbSNP rs1672775417, ClinGen allele CA346676266.